The following is an entry in ClinVar:

NM_000257.4(MYH7):c.4408T>C (p.Ser1470Pro)

Genes: MHRT (myosin heavy chain associated RNA transcript; plus strand), MYH7 (myosin heavy chain 7; minus strand). Cytogenetic location: 14q11.2.
Variant type: single nucleotide variant.
Coding change: c.4408T>C on transcript NM_000257.4 (MANE Select); coding-DNA position 4408, T replaced by C.
Protein change: p.Ser1470Pro; replaces serine 1470 with proline.
Molecular consequence: missense variant. On other transcripts: non-coding transcript variant (1).
Genome position (GRCh38, 1-based): chr14:23,417,264, A>G on the plus strand (T>C on the coding strand, the complement: MYH7 is on the minus strand). VCF-style: chr14-23417264-A-G. GRCh37 (hg19) VCF-style: chr14-23886473-A-G.
Other names: short protein forms S1470P.
Identifiers: ClinVar variation 43016 (VCV000043016.4), dbSNP rs397516215, ClinGen allele CA014945.

ClinVar aggregate classification (germline): Uncertain significance (1 of 4 stars; one submission).

Submission:

Laboratory for Molecular Medicine, Mass General Brigham Personalized Medicine
Classification: Uncertain significance. Last evaluated: 2013-09-06. Review status: criteria provided, single submitter. Criteria: LMM Criteria. Collection method: clinical testing. Allele origin: germline. Observed: 2 variant alleles.
Comment: proposed classification - variant undergoing re-assessment, contact laboratory